The following is an entry in ClinVar:

NM_003105.6(SORL1):c.5265T>G (p.Ile1755Met)

Gene: SORL1 (sortilin related receptor 1; plus strand). Cytogenetic location: 11q24.1.
Variant type: single nucleotide variant.
Coding change: c.5265T>G on transcript NM_003105.6 (MANE Select); coding-DNA position 5265, T replaced by G.
Protein change: p.Ile1755Met; replaces isoleucine 1755 with methionine.
Molecular consequence: missense variant.
Genome position (GRCh38, 1-based): chr11:121,611,101, T>G. VCF-style: chr11-121611101-T-G. GRCh37 (hg19) VCF-style: chr11-121481810-T-G.
Other names: c.5265T>G (NM_003105.5); short protein forms I1755M.
Identifiers: ClinVar variation 1449871 (VCV001449871.7), dbSNP rs143657558, ClinGen allele CA6329891.

ClinVar aggregate classification (germline): Uncertain significance. Review status: criteria provided, multiple submitters, no conflicts (2 of 4 stars). 2 submissions from 2 submitters: Uncertain significance (2). Last evaluated 2025-04-11.

Allele frequency attached by ClinVar (database versions not stated): TOPMed 0.00001; ESP Exome Variant Server 0.00008.
gnomAD v4.1: 10 of 1,613,518 alleles (0.00062%); highest among the groups gnomAD compares: Non-Finnish European, 0.00068%; no homozygotes.

Submissions (2):

Ambry Genetics
Classification: Uncertain significance. Last evaluated: 2025-04-11. Review status: criteria provided, single submitter. Criteria: Ambry Variant Classification Scheme 2023. Collection method: clinical testing. Allele origin: germline.

Labcorp Genetics (formerly Invitae), Labcorp
Classification: Uncertain significance. Last evaluated: 2021-11-13. Review status: criteria provided, single submitter. Criteria: Invitae Variant Classification Sherloc (09022015). Collection method: clinical testing. Allele origin: germline.
Comment: In summary, the available evidence is currently insufficient to determine the role of this variant in disease. Therefore, it has been classified as a Variant of Uncertain Significance. Algorithms developed to predict the effect of missense changes on protein structure and function are either unavailable or do not agree on the potential impact of this missense change (SIFT: "Tolerated"; PolyPhen-2: "Possibly Damaging"; Align-GVGD: "Class C0"). This variant has not been reported in the literature in individuals affected with SORL1-related conditions. This variant is present in population databases (rs143657558, gnomAD 0.002%). This sequence change replaces isoleucine, which is neutral and non-polar, with methionine, which is neutral and non-polar, at codon 1755 of the SORL1 protein (p.Ile1755Met).